The following is an entry in ClinVar:

NM_006306.4(SMC1A):c.2899C>T (p.Gln967Ter)

Gene: SMC1A (structural maintenance of chromosomes 1A; minus strand). Cytogenetic location: Xp11.22.
Variant type: single nucleotide variant.
Coding change: c.2899C>T on transcript NM_006306.4 (MANE Select); coding-DNA position 2899, C replaced by T.
Protein change: p.Gln967Ter; replaces glutamine 967 with a stop codon.
Molecular consequence: nonsense.
Genome position (GRCh38, 1-based): chrX:53,394,852, G>A on the plus strand (C>T on the coding strand, the complement: SMC1A is on the minus strand). VCF-style: chrX-53394852-G-A. GRCh37 (hg19) VCF-style: chrX-53421772-G-A.
Other names: c.2833C>T, p.Gln945Ter (NM_001281463.1); short protein forms Q945*, Q967*.
Identifiers: ClinVar variation 1418836 (VCV001418836.6), dbSNP rs2146592415, ClinGen allele CA413247452.
Genomic context (GRCh38, chrX:53,394,852, plus strand): 5'-ACAGATCACCGTAGTCAATCTCAATGAGGGCCTCTCGTGCATAGATACTGGAAATTCTCT[G>A]TGAACCACTCACTGAGTCCTCCCCCTGGGAGCTACCCTGCAATGGCAACGGAGAGTCAAG-3'

ClinVar aggregate classification (germline): Pathogenic (1 of 4 stars; one submission).

Conditions:
Congenital muscular hypertrophy-cerebral syndrome (CDLS2). Also called: Cornelia de Lange syndrome 2; SMC1A-Related Cornelia de Lange Syndrome. Identifiers: Orphanet 199, MedGen C1802395, MONDO:0010370, OMIM 300590.

Submission:

Labcorp Genetics (formerly Invitae), Labcorp
Classification: Pathogenic for Congenital muscular hypertrophy-cerebral syndrome. Last evaluated: 2021-06-21. Review status: criteria provided, single submitter. Criteria: Invitae Variant Classification Sherloc (09022015). Collection method: clinical testing. Allele origin: germline.
Comment: This sequence change creates a premature translational stop signal (p.Gln967*) in the SMC1A gene. It is expected to result in an absent or disrupted protein product. Loss-of-function variants in SMC1A are known to be pathogenic (PMID: 26386245, 27334371, 28166369, 28548707, 31334757). This variant is not present in population databases (ExAC no frequency). For these reasons, this variant has been classified as Pathogenic. This variant has not been reported in the literature in individuals with SMC1A-related conditions.

Literature cited by the submitters: PubMed 26386245; PubMed 27334371; PubMed 28166369; PubMed 28548707; PubMed 31334757.